The following is an entry in ClinVar:

NM_016335.6(PRODH):c.1217C>T (p.Pro406Leu)

Gene: PRODH (proline dehydrogenase 1; minus strand). Cytogenetic location: 22q11.21.
Variant type: single nucleotide variant.
Coding change: c.1217C>T on transcript NM_016335.6 (MANE Select); coding-DNA position 1217, C replaced by T.
Protein change: p.Pro406Leu; replaces proline 406 with leucine.
Molecular consequence: missense variant.
Genome position (GRCh38, 1-based): chr22:18,919,485, G>A on the plus strand (C>T on the coding strand, the complement: PRODH is on the minus strand). VCF-style: chr22-18919485-G-A. GRCh37 (hg19) VCF-style: chr22-18906998-G-A.
Other names: c.893C>T, p.Pro298Leu (NM_001195226.2); short protein forms P406L, P298L.
Identifiers: ClinVar variation 702852 (VCV000702852.18), dbSNP rs3970555, ClinGen allele CA10095033.
Genomic context (GRCh38, chr22:18,919,485, plus strand): 5'-CAGGGAGGGGCTGAGCGGGGGCTTGCCTTGAGGTAGCACTGGTATGTGTTGAAGATGAGC[G>A]GCTTCTCCACATTGAACTTCCGCTGCATCTCCAGCGTCAGGCGGCTGATGGCCGGCTGGA-3'
Protein context (NP_057419.5, residues 396-416): EMQRKFNVEK[Pro406Leu]LIFNTYQCYL

ClinVar aggregate classification (germline): Conflicting classifications of pathogenicity. Review status: criteria provided, conflicting classifications (1 of 4 stars). 7 submissions from 7 submitters: Likely pathogenic (1); Uncertain significance (4); Benign (1); Likely benign (1). Last evaluated 2026-02-01.

Conditions:
Schizophrenia 4 (SCZD4). Also called: SCHIZOPHRENIA, SUSCEPTIBILITY TO, 4; SCHIZOPHRENIA SUSCEPTIBILITY LOCUS, CHROMOSOME 22q11-RELATED. Identifiers: MedGen C1833247, MONDO:0010943, OMIM 600850.
Proline dehydrogenase deficiency (HYRPRO1). Also called: Hyperprolinemia type 1; PROLINE OXIDASE DEFICIENCY. Identifiers: Orphanet 419, MedGen C0268529, MONDO:0009400, OMIM 239500.

Allele frequency attached by ClinVar (database versions not stated): gnomAD 0.00149; ESP Exome Variant Server 0.00154; gnomAD exomes 0.00185 and 0.00236; ExAC 0.00218; TOPMed 0.00240; 1000 Genomes Project 0.00379.

Submissions (7):

Labcorp Genetics (formerly Invitae), Labcorp
Classification: Benign for Proline dehydrogenase deficiency. Last evaluated: 2026-02-01. Review status: criteria provided, single submitter. Criteria: Invitae Variant Classification Sherloc (09022015). Collection method: clinical testing. Allele origin: germline.

Revvity Omics, Revvity
Classification: Uncertain significance for Proline dehydrogenase deficiency. Last evaluated: 2025-05-14. Review status: criteria provided, single submitter. Criteria: ACMG Guidelines, 2015. Collection method: clinical testing. Allele origin: germline.

Blueprint Genetics
Classification: Likely benign. Last evaluated: 2024-11-28. Review status: criteria provided, single submitter. Criteria: ACMG Guidelines, 2015. Collection method: clinical testing. Allele origin: germline.

Women's Health and Genetics/Laboratory Corporation of America, LabCorp
Classification: Uncertain significance. Last evaluated: 2024-05-02. Review status: criteria provided, single submitter. Criteria: LabCorp Variant Classification Summary - May 2015. Collection method: clinical testing. Allele origin: germline.
Comment: Variant summary: PRODH c.1217C>T (p.Pro406Leu) results in a non-conservative amino acid change in the encoded protein sequence. Four of five in-silico tools predict a damaging effect of the variant on protein function. The variant allele was found at a frequency of 0.0019 in 250696 control chromosomes in the gnomAD database, including 2 homozygotes. c.1217C>T has been reported in the literature in individuals affected with Hyperprolinemia (example: DiRosa_2014, Jacquet_2005, Raux_2007). At least one publication reports experimental evidence evaluating an impact on protein function. The most pronounced variant effect results in 10%-<30% of normal activity (Bender_2005). The following publications have been ascertained in the context of this evaluation (PMID: 15662599, 18197084, 15494707, 17135275). ClinVar contains an entry for this variant (Variation ID: 702852). Based on the evidence outlined above, the variant was classified as VUS-possibly pathogenic.

Department of Pathology and Laboratory Medicine, Sinai Health System
Classification: Uncertain significance for Schizophrenia 4; Proline dehydrogenase deficiency. Last evaluated: 2023-03-28. Review status: criteria provided, single submitter. Criteria: ACMG Guidelines, 2015. Collection method: research. Allele origin: germline.

Institute of Human Genetics, Clinical Exome/Genome Diagnostics Group, University Hospital Bonn
Classification: Uncertain significance for Proline dehydrogenase deficiency. Last evaluated: 2022-05-12. Review status: criteria provided, single submitter. Criteria: ACMG Guidelines, 2015. Collection method: clinical testing. Allele origin: germline. Affected: yes.

Fulgent Genetics
Classification: Likely pathogenic for Proline dehydrogenase deficiency; Schizophrenia 4. Last evaluated: 2021-06-30. Review status: criteria provided, single submitter. Criteria: ACMG Guidelines, 2015. Collection method: clinical testing. Allele origin: unknown.
Comment: This variant has been detected in individual(s) who were sent for testing of Renasight - kidney gene panel.

Literature cited by the submitters: PubMed 17135275 (cited by Women's Health and Genetics/Laboratory Corporation of America, LabCorp); PubMed 15662599 (cited by Women's Health and Genetics/Laboratory Corporation of America, LabCorp); PubMed 18197084 (cited by Women's Health and Genetics/Laboratory Corporation of America, LabCorp); PubMed 15494707 (cited by Women's Health and Genetics/Laboratory Corporation of America, LabCorp).